The following is an entry in ClinVar:

NM_003119.4(SPG7):c.619C>T (p.Arg207Trp)

Gene: SPG7 (SPG7 matrix AAA peptidase subunit, paraplegin; plus strand). Cytogenetic location: 16q24.3.
Variant type: single nucleotide variant.
Coding change: c.619C>T on transcript NM_003119.4 (MANE Select); coding-DNA position 619, C replaced by T.
Protein change: p.Arg207Trp; replaces arginine 207 with tryptophan.
Molecular consequence: missense variant.
Genome position (GRCh38, 1-based): chr16:89,526,329, C>T. VCF-style: chr16-89526329-C-T. GRCh37 (hg19) VCF-style: chr16-89592737-C-T.
Other names: p.Arg207Trp; c.619C>T (NM_003119.3); c.619C>T, p.Arg207Trp (NM_001363850.1, NM_199367.3); short protein forms R207W.
Identifiers: ClinVar variation 1460793 (VCV001460793.20), dbSNP rs199751531, ClinGen allele CA8243727.

ClinVar aggregate classification (germline): Uncertain significance. Review status: criteria provided, multiple submitters, no conflicts (2 of 4 stars). 6 submissions from 6 submitters: Uncertain significance (4). 2 of the submissions do not count toward it. Last evaluated 2025-08-01.

Conditions:
SPG7-related disorder. Also called: SPG7-related condition.
Retinal dystrophy. Also called: Inherited retinal dystrophy. Identifiers: Orphanet 71862, MedGen C0854723, MeSH D058499, MONDO:0019118, HP:0000556.
Hereditary spastic paraplegia 7 (SPG7). Also called: SPG7-related neurologic disorder; SPASTIC PARAPLEGIA 7, AUTOSOMAL RECESSIVE, WITH OR WITHOUT CEREBELLAR ATAXIA; Spastic paraplegia 7; Hereditary spastic paraplegia Paraplegin type; Autosomal recessive spastic paraplegia type 7. Identifiers: Orphanet 99013, MedGen C1846564, MONDO:0011803, OMIM 607259.

Allele frequency attached by ClinVar (database versions not stated): ExAC 0.00005; gnomAD exomes 0.00006; ESP Exome Variant Server 0.00008; gnomAD 0.00010; TOPMed 0.00015.
gnomAD v4.1: 67 of 1,613,886 alleles (0.0042%); highest among the groups gnomAD compares: South Asian, 0.027%; no homozygotes.

Submissions (6):

CeGaT Center for Human Genetics Tuebingen
Classification: Uncertain significance. Last evaluated: 2025-08-01. Review status: criteria provided, single submitter. Criteria: CeGaT Center For Human Genetics Tuebingen Variant Classification Criteria Version 2. Collection method: clinical testing. Allele origin: germline. Affected: yes. Observed: 1 variant allele.
Comment: SPG7: PM2, PM3:Supporting

Labcorp Genetics (formerly Invitae), Labcorp
Classification: Uncertain significance for Hereditary spastic paraplegia 7. Last evaluated: 2025-05-01. Review status: criteria provided, single submitter. Criteria: Invitae Variant Classification Sherloc (09022015). Collection method: clinical testing. Allele origin: germline.
Comment: This sequence change replaces arginine, which is basic and polar, with tryptophan, which is neutral and slightly polar, at codon 207 of the SPG7 protein (p.Arg207Trp). This variant is present in population databases (rs199751531, gnomAD 0.04%). This variant has not been reported in the literature in individuals affected with SPG7-related conditions. ClinVar contains an entry for this variant (Variation ID: 1460793). An algorithm developed to predict the effect of missense changes on protein structure and function (PolyPhen-2) suggests that this variant is likely to be disruptive. In summary, the available evidence is currently insufficient to determine the role of this variant in disease. Therefore, it has been classified as a Variant of Uncertain Significance.

Blueprint Genetics
Classification: Uncertain significance. Last evaluated: 2024-05-03. Review status: criteria provided, single submitter. Criteria: ACMG Guidelines, 2015. Collection method: clinical testing. Allele origin: germline.

Mayo Clinic Laboratories, Mayo Clinic
Classification: Uncertain significance. Last evaluated: 2023-07-14. Review status: criteria provided, single submitter. Criteria: ACMG Guidelines, 2015. Collection method: clinical testing. Allele origin: germline. Observed: 1 variant allele.

PreventionGenetics, part of Exact Sciences
Classification: Uncertain significance for SPG7-related condition. Last evaluated: 2024-08-02. Review status: no assertion criteria provided. Collection method: clinical testing. Allele origin: germline. Not counted in ClinVar's aggregate classification.
Comment: The SPG7 c.619C>T variant is predicted to result in the amino acid substitution p.Arg207Trp. To our knowledge, this variant has not been reported in the literature. This variant is reported in 0.036% of alleles in individuals of African descent in gnomAD. At this time, the clinical significance of this variant is uncertain due to the absence of conclusive functional and genetic evidence.

Institute of Human Genetics, Univ. Regensburg, Univ. Regensburg
Classification: Uncertain significance for Retinal dystrophy. Last evaluated: 2023-01-01. Review status: no assertion criteria provided. Criteria: ACMG Guidelines, 2015. Collection method: clinical testing. Allele origin: germline. Affected: yes. Not counted in ClinVar's aggregate classification.